The following is an entry in ClinVar:

NM_001710.6(CFB):c.793C>T (p.Pro265Ser)

Gene: CFB (complement factor B; plus strand). Cytogenetic location: 6p21.33.
Variant type: single nucleotide variant.
Coding change: c.793C>T on transcript NM_001710.6 (MANE Select); coding-DNA position 793, C replaced by T.
Protein change: p.Pro265Ser; replaces proline 265 with serine.
Molecular consequence: missense variant.
Genome position (GRCh38, 1-based): chr6:31,947,977, C>T. VCF-style: chr6-31947977-C-T. GRCh37 (hg19) VCF-style: chr6-31915754-C-T.
Other names: short protein forms P265S.
Identifiers: ClinVar variation 2767361 (VCV002767361.3), dbSNP rs1396757896, ClinGen allele CA363395798.

ClinVar aggregate classification (germline): Uncertain significance (1 of 4 stars; one submission).

gnomAD v4.1: 1 of 1,614,186 alleles (0.000062%); highest among the groups gnomAD compares: Admixed American, 0.0017%; no homozygotes.

Submission:

Labcorp Genetics (formerly Invitae), Labcorp
Classification: Uncertain significance. Last evaluated: 2024-04-30. Review status: criteria provided, single submitter. Criteria: Invitae Variant Classification Sherloc (09022015). Collection method: clinical testing. Allele origin: germline.
Comment: This sequence change replaces proline, which is neutral and non-polar, with serine, which is neutral and polar, at codon 265 of the CFB protein (p.Pro265Ser). This variant is present in population databases (no rsID available, gnomAD 0.003%). This variant has not been reported in the literature in individuals affected with CFB-related conditions. Advanced modeling of protein sequence and biophysical properties (such as structural, functional, and spatial information, amino acid conservation, physicochemical variation, residue mobility, and thermodynamic stability) performed at Invitae indicates that this missense variant is not expected to disrupt CFB protein function with a negative predictive value of 80%. In summary, the available evidence is currently insufficient to determine the role of this variant in disease. Therefore, it has been classified as a Variant of Uncertain Significance.